The following is an entry in ClinVar:

NM_006946.4(SPTBN2):c.4593+3G>A

Gene: SPTBN2 (spectrin beta, non-erythrocytic 2; minus strand). Cytogenetic location: 11q13.2.
Variant type: single nucleotide variant.
Coding change: c.4593+3G>A on transcript NM_006946.4 (MANE Select); 3 bases into the intron after coding-DNA position 4593, G replaced by A.
Molecular consequence: intron variant.
Genome position (GRCh38, 1-based): chr11:66,693,769, C>T on the plus strand (G>A on the coding strand, the complement: SPTBN2 is on the minus strand). VCF-style: chr11-66693769-C-T. GRCh37 (hg19) VCF-style: chr11-66461240-C-T.
Identifiers: ClinVar variation 994465 (VCV000994465.4), dbSNP rs915452792, ClinGen allele CA224079586.

ClinVar aggregate classification (germline): Uncertain significance. Review status: criteria provided, multiple submitters, no conflicts (2 of 4 stars). 2 submissions from 2 submitters: Uncertain significance (2). Last evaluated 2022-11-18.

Allele frequency attached by ClinVar (database versions not stated): gnomAD exomes 0.00001; gnomAD 0.00002 and 0.00003; TOPMed 0.00002.
gnomAD v4.1: 13 of 1,611,750 alleles (0.00081%); highest among the groups gnomAD compares: African/African-American, 0.0013%; no homozygotes.

Submissions (2):

Labcorp Genetics (formerly Invitae), Labcorp
Classification: Uncertain significance. Last evaluated: 2022-11-18. Review status: criteria provided, single submitter. Criteria: Invitae Variant Classification Sherloc (09022015). Collection method: clinical testing. Allele origin: germline.
Comment: This sequence change falls in intron 22 of the SPTBN2 gene. It does not directly change the encoded amino acid sequence of the SPTBN2 protein. It affects a nucleotide within the consensus splice site. This variant is present in population databases (no rsID available, gnomAD 0.002%). This variant has not been reported in the literature in individuals affected with SPTBN2-related conditions. ClinVar contains an entry for this variant (Variation ID: 994465). Variants that disrupt the consensus splice site are a relatively common cause of aberrant splicing (PMID: 17576681, 9536098). Algorithms developed to predict the effect of sequence changes on RNA splicing suggest that this variant may disrupt the consensus splice site. In summary, the available evidence is currently insufficient to determine the role of this variant in disease. Therefore, it has been classified as a Variant of Uncertain Significance.

Athena Diagnostics
Classification: Uncertain significance. Last evaluated: 2019-11-20. Review status: criteria provided, single submitter. Criteria: Athena Diagnostics Criteria. Collection method: clinical testing. Allele origin: unknown.

Literature cited by the submitters: PubMed 17576681 (cited by Labcorp Genetics (formerly Invitae), Labcorp); PubMed 9536098 (cited by Labcorp Genetics (formerly Invitae), Labcorp).